The following is an entry in ClinVar:

NM_005633.4(SOS1):c.1300G>C (p.Gly434Arg)

Gene: SOS1 (SOS Ras/Rac guanine nucleotide exchange factor 1; minus strand). Cytogenetic location: 2p22.1.
Variant type: single nucleotide variant.
Coding change: c.1300G>C on transcript NM_005633.4 (MANE Select); coding-DNA position 1300, G replaced by C.
Protein change: p.Gly434Arg; replaces glycine 434 with arginine.
Molecular consequence: missense variant.
Genome position (GRCh38, 1-based): chr2:39,023,128, C>G on the plus strand (G>C on the coding strand, the complement: SOS1 is on the minus strand). VCF-style: chr2-39023128-C-G. GRCh37 (hg19) VCF-style: chr2-39250269-C-G.
Other names: c.1279G>C, p.Gly427Arg (NM_001382394.1); c.1300G>C, p.Gly434Arg (NM_001382395.1); short protein forms G434R, G427R.
Identifiers: ClinVar variation 40670 (VCV000040670.25), dbSNP rs397517148, ClinGen allele CA346366484.

ClinVar aggregate classification (germline): Pathogenic. Review status: criteria provided, multiple submitters, no conflicts (2 of 4 stars). 6 submissions from 6 submitters: Pathogenic (6). Last evaluated 2024-10-27.

Conditions:
Cardiovascular phenotype. Identifiers: MedGen CN230736.
RASopathy. Also called: Noonan spectrum disorder; rasopathies. Identifiers: Orphanet 536391, MedGen C5555857, MONDO:0021060.
Noonan syndrome 4 (NS4). Also called: SOS1-Related Noonan Syndrome; NOONAN SYNDROME WITH PIGMENTED VILLONODULAR SYNOVITIS. Identifiers: Orphanet 648, MedGen C1853120, MONDO:0012547, OMIM 610733.
Fibromatosis, gingival, 1 (GINGF1). Identifiers: Orphanet 2024, MedGen C4551558, MONDO:0007609, OMIM 135300.

Submissions (6):

Ambry Genetics
Classification: Pathogenic for Cardiovascular phenotype. Last evaluated: 2024-10-27. Review status: criteria provided, single submitter. Criteria: Ambry Variant Classification Scheme 2023. Collection method: clinical testing. Allele origin: germline.
Comment: The p.G434R pathogenic mutation (also known as c.1300G>C), located in coding exon 10 of the SOS1 gene, results from a G to C substitution at nucleotide position 1300. The glycine at codon 434 is replaced by arginine, an amino acid with dissimilar properties. This variant was reported in multiple individuals with features consistent with Noonan syndrome, including a de novo occurrence (Roberts AE et al. Nat Genet, 2007 Jan;39:70-4; Pierpont EI et al. Am J Med Genet A, 2010 Mar;152A:591-600; Lepri F et al. Hum Mutat, 2011 Jul;32:760-72; Koh AL et al. Mol Genet Genomic Med, 2019 Apr;7:e00581). A different alteration located at the same position, resulting in the same protein change, c.1300G>A (p.G434R), has been detected in individuals with Noonan syndrome (Zenker M et al. J Med Genet, 2007 Oct;44:651-6; Alfieri P et al. Am J Med Genet A, 2014 Apr;164A:934-42; Chinton J et al. Arch Argent Pediatr, 2019 10;117:330-337). In an assay testing SOS1 function, this variant showed a functionally abnormal result (Smith MJ et al. Proc Natl Acad Sci U S A, 2013 Mar;110:4574-9). In addition, this alteration is predicted to be deleterious by in silico analysis. This variant is considered to be rare based on population cohorts in the Genome Aggregation Database (gnomAD). Based on the supporting evidence, this variant is interpreted as a disease-causing mutation.

Baylor Genetics
Classification: Pathogenic for Fibromatosis, gingival, 1. Last evaluated: 2021-08-23. Review status: criteria provided, single submitter. Criteria: ACMG Guidelines, 2015. Collection method: clinical testing. Allele origin: unknown.

Labcorp Genetics (formerly Invitae), Labcorp
Classification: Pathogenic for RASopathy. Last evaluated: 2020-07-21. Review status: criteria provided, single submitter. Criteria: Invitae Variant Classification Sherloc (09022015). Collection method: clinical testing. Allele origin: germline.
Comment: For these reasons, this variant has been classified as Pathogenic. This variant has been reported to have conflicting or insufficient data to determine the effect on SOS1 protein function (PMID: 23487764). This variant has been observed in individuals and families affected with clinical features of Noonan syndrome, in at least one of whom it was found de novo (PMID: 17143285, 20186801, 17586837, 21387466, 30784236). This variant is not present in population databases (ExAC no frequency). This sequence change replaces glycine with arginine at codon 434 of the SOS1 protein (p.Gly434Arg). The glycine residue is highly conserved and there is a moderate physicochemical difference between glycine and arginine.

ARUP Laboratories, Molecular Genetics and Genomics, ARUP Laboratories
Classification: Pathogenic. Last evaluated: 2019-05-29. Review status: criteria provided, single submitter. Criteria: ARUP Molecular Germline Variant Investigation Process. Collection method: clinical testing. Allele origin: germline.
Comment: The SOS1 c.1300G>C; p.Gly434Arg variant has been described in individuals with Noonan syndrome (NS; Koh 2019, Roberts 2007). It is absent from general population databases (Exome Variant Server and Genome Aggregation Database), indicating it is not a common polymorphism. Functional analyses of the p.Gly434Arg variant demonstrate increased activation over wildtype, consistent with other NS-causing variants (Smith 2013). Additionally, another variant that results in the same amino acid change at this codon (c.1300G>A; p.Gly434Arg) has been described in at least one individual affected with NS (Zenker 2007). Based on available information, the c.1300G>C variant is considered pathogenic. REFERENCES Koh A et al. The spectrum of genetic variants and phenotypic features of Southeast Asian patients with Noonan syndrome. Mol Genet Genomic Med. 2019 Apr; 7(4): e00581. Roberts A et al. Germline gain-of-function mutations in SOS1 cause Noonan syndrome. Nat Genet. 2007 Jan;39(1):70-4. Smith M et al. NMR-based functional profiling of RASopathies and oncogenic RAS mutations. Proc Natl Acad Sci U S A. 2013 Mar 19;110(12):4574-9. Zenker M et al. SOS1 is the second most common Noonan gene but plays no major role in cardio-facio-cutaneous syndrome. J Med Genet. 2007 Oct;44(10):651-6.

Mayo Clinic Laboratories, Mayo Clinic
Classification: Pathogenic. Last evaluated: 2019-05-05. Review status: criteria provided, single submitter. Criteria: ACMG Guidelines, 2015. Collection method: clinical testing. Allele origin: germline. Observed: 2 variant alleles.
Comment: PS2, PS3, PS4_moderate, PM1, PM2, PP3

Genome-Nilou Lab
Classification: Pathogenic for Noonan syndrome 4. Review status: criteria provided, single submitter. Criteria: ACMG Guidelines, 2015. Collection method: clinical testing. Allele origin: germline.

Literature cited by the submitters: PubMed 17143285 (cited by 3 submitters); PubMed 20186801 (cited by Ambry Genetics and Labcorp Genetics (formerly Invitae), Labcorp); PubMed 21387466 (cited by 3 submitters); PubMed 23487764 (cited by 3 submitters); PubMed 30325180 (cited by Ambry Genetics); PubMed 30784236 (cited by 3 submitters); PubMed 17586837 (cited by Labcorp Genetics (formerly Invitae), Labcorp and Mayo Clinic Laboratories, Mayo Clinic).